The following is an entry in ClinVar:

NM_001164508.2(NEB):c.25447G>C (p.Asp8483His)

Genes: NEB (nebulin; minus strand), RIF1 (replication timing regulatory factor 1; plus strand). Cytogenetic location: 2q23.3.
Variant type: single nucleotide variant.
Coding change: c.25447G>C on transcript NM_001164508.2 (MANE Select); coding-DNA position 25447, G replaced by C.
Protein change: p.Asp8483His; replaces aspartic acid 8483 with histidine.
Molecular consequence: missense variant.
Genome position (GRCh38, 1-based): chr2:151,485,891, C>G on the plus strand (G>C on the coding strand, the complement: NEB is on the minus strand). VCF-style: chr2-151485891-C-G. GRCh37 (hg19) VCF-style: chr2-152342405-C-G.
Other names: c.25447G>C, p.Asp8483His (NM_001164507.2); c.25552G>C, p.Asp8518His (NM_001271208.2); c.19879G>C, p.Asp6627His (NM_004543.5); short protein forms D8483H, D8518H, D6627H.
Identifiers: ClinVar variation 1483844 (VCV001483844.4), dbSNP rs993833092, ClinGen allele CA348770052.

ClinVar aggregate classification (germline): Uncertain significance. Review status: criteria provided, multiple submitters, no conflicts (2 of 4 stars). 2 submissions from 2 submitters: Uncertain significance (2). Last evaluated 2024-04-16.

Conditions:
Nemaline myopathy 2 (NEM2). Also called: Nemaline myopathy 2, autosomal recessive. Identifiers: MedGen C1850569, MONDO:0009725, OMIM 256030.

Allele frequency attached by ClinVar (database versions not stated): gnomAD exomes below 0.00001.
gnomAD v4.1: 2 of 1,613,956 alleles (0.00012%); highest among the groups gnomAD compares: African/African-American, 0.0013%; no homozygotes.

Submissions (2):

Revvity Omics, Revvity
Classification: Uncertain significance. Last evaluated: 2024-04-16. Review status: criteria provided, single submitter. Criteria: ACMG Guidelines, 2015. Collection method: clinical testing. Allele origin: germline.

Labcorp Genetics (formerly Invitae), Labcorp
Classification: Uncertain significance for Nemaline myopathy 2. Last evaluated: 2021-11-02. Review status: criteria provided, single submitter. Criteria: Invitae Variant Classification Sherloc (09022015). Collection method: clinical testing. Allele origin: germline.
Comment: This sequence change replaces aspartic acid, which is acidic and polar, with histidine, which is basic and polar, at codon 8518 of the NEB protein (p.Asp8518His). This variant is present in population databases (no rsID available, gnomAD 0.0009%). This missense change has been observed in individual(s) with clinical features of nemaline myopathy (Invitae). Algorithms developed to predict the effect of missense changes on protein structure and function are either unavailable or do not agree on the potential impact of this missense change (SIFT: "Deleterious"; PolyPhen-2: "Not Available"; Align-GVGD: "Class C0"). In summary, the available evidence is currently insufficient to determine the role of this variant in disease. Therefore, it has been classified as a Variant of Uncertain Significance.